The following is an entry in ClinVar:

NM_006035.4(CDC42BPB):c.3748+8C>G

Gene: CDC42BPB (CDC42 binding protein kinase beta; minus strand). Cytogenetic location: 14q32.32.
Variant type: single nucleotide variant.
Coding change: c.3748+8C>G on transcript NM_006035.4 (MANE Select); 8 bases into the intron after coding-DNA position 3748, C replaced by G.
Molecular consequence: intron variant.
Genome position (GRCh38, 1-based): chr14:102,946,460, G>C on the plus strand (C>G on the coding strand, the complement: CDC42BPB is on the minus strand). VCF-style: chr14-102946460-G-C. GRCh37 (hg19) VCF-style: chr14-103412797-G-C.
Other names: c.3670+8C>G (NM_001411054.1).
Identifiers: ClinVar variation 3025720 (VCV003025720.22), dbSNP rs188194900, ClinGen allele CA7360657.

ClinVar aggregate classification (germline): Likely benign (1 of 4 stars; one submission).

Allele frequency attached by ClinVar (database versions not stated): ESP Exome Variant Server 0.00139; gnomAD 0.00140; TOPMed 0.00147; 1000 Genomes Project 0.00180; 1000 Genomes Project 30x 0.00187.
gnomAD v4.1: 366 of 1,612,384 alleles (0.023%); highest among the groups gnomAD compares: African/African-American, 0.43%; no homozygotes.

Submission:

CeGaT Center for Human Genetics Tuebingen
Classification: Likely benign. Last evaluated: 2024-01-01. Review status: criteria provided, single submitter. Criteria: CeGaT Center For Human Genetics Tuebingen Variant Classification Criteria Version 2. Collection method: clinical testing. Allele origin: germline. Affected: yes. Observed: 1 variant allele.
Comment: CDC42BPB: BP4, BS1